The following is an entry in ClinVar:

ClinVar aggregate classification (germline): Uncertain significance. Review status: criteria provided, multiple submitters, no conflicts (2 of 4 stars). 2 submissions from 2 submitters: Uncertain significance (2). Last evaluated 2024-04-25.

Conditions:
Cardiovascular phenotype. Identifiers: MedGen CN230736.

Allele frequency attached by ClinVar (database versions not stated): TOPMed below 0.00001; gnomAD 0.00001.

Submissions (2):

Labcorp Genetics (formerly Invitae), Labcorp
Classification: Uncertain significance. Last evaluated: 2024-04-25. Review status: criteria provided, single submitter. Criteria: Invitae Variant Classification Sherloc (09022015). Collection method: clinical testing. Allele origin: germline.
Comment: This sequence change replaces aspartic acid, which is acidic and polar, with histidine, which is basic and polar, at codon 1143 of the ALPK3 protein (p.Asp1143His). This variant is not present in population databases (gnomAD no frequency). This variant has not been reported in the literature in individuals affected with ALPK3-related conditions. ClinVar contains an entry for this variant (Variation ID: 1731318). An algorithm developed to predict the effect of missense changes on protein structure and function (PolyPhen-2) suggests that this variant is likely to be disruptive. In summary, the available evidence is currently insufficient to determine the role of this variant in disease. Therefore, it has been classified as a Variant of Uncertain Significance.

Ambry Genetics
Classification: Uncertain significance for Cardiovascular phenotype. Last evaluated: 2022-04-21. Review status: criteria provided, single submitter. Criteria: Ambry Variant Classification Scheme 2023. Collection method: clinical testing. Allele origin: germline.
Comment: The p.D1143H variant (also known as c.3427G>C), located in coding exon 6 of the ALPK3 gene, results from a G to C substitution at nucleotide position 3427. The aspartic acid at codon 1143 is replaced by histidine, an amino acid with similar properties. This amino acid position is conserved. In addition, this alteration is predicted to be tolerated by in silico analysis. Since supporting evidence is limited at this time, the clinical significance of this alteration remains unclear.

NM_020778.5(ALPK3):c.2821G>C (p.Asp941His)

Gene: ALPK3 (alpha kinase 3; plus strand). Cytogenetic location: 15q25.3.
Variant type: single nucleotide variant.
Coding change: c.2821G>C on transcript NM_020778.5 (MANE Select); coding-DNA position 2821, G replaced by C.
Protein change: p.Asp941His; replaces aspartic acid 941 with histidine.
Molecular consequence: missense variant.
Genome position (GRCh38, 1-based): chr15:84,857,559, G>C. VCF-style: chr15-84857559-G-C. GRCh37 (hg19) VCF-style: chr15-85400790-G-C.
Other names: short protein forms D941H.
Identifiers: ClinVar variation 1731318 (VCV001731318.7), dbSNP rs1399189292, ClinGen allele CA393358494.